The following is an entry in ClinVar:

ClinVar aggregate classification (germline): Pathogenic (1 of 4 stars; one submission).

Submission:

CeGaT Center for Human Genetics Tuebingen
Classification: Pathogenic. Last evaluated: 2023-02-01. Review status: criteria provided, single submitter. Criteria: CeGaT Center For Human Genetics Tuebingen Variant Classification Criteria Version 2. Collection method: clinical testing. Allele origin: germline. Affected: yes. Observed: 1 variant allele.
Comment: TBL1XR1: PVS1, PM2

NM_024665.7(TBL1XR1):c.646C>T (p.Arg216Ter)

Gene: TBL1XR1 (TBL1X/Y related 1; minus strand). Cytogenetic location: 3q26.32.
Variant type: single nucleotide variant.
Coding change: c.646C>T on transcript NM_024665.7 (MANE Select); coding-DNA position 646, C replaced by T.
Protein change: p.Arg216Ter; replaces arginine 216 with a stop codon.
Molecular consequence: nonsense.
Genome position (GRCh38, 1-based): chr3:177,050,053, G>A on the plus strand (C>T on the coding strand, the complement: TBL1XR1 is on the minus strand). VCF-style: chr3-177050053-G-A. GRCh37 (hg19) VCF-style: chr3-176767841-G-A.
Other names: c.646C>T, p.Arg216Ter (NM_001321193.3, NM_001321194.3, NM_001374327.1 and 2 more transcripts); c.385C>T, p.Arg129Ter (NM_001321195.3, NM_001374330.1); short protein forms R129*, R216*.
Identifiers: ClinVar variation 2498943 (VCV002498943.28), dbSNP rs2108490732, ClinGen allele CA355552505.
Genomic context (GRCh38, chr3:177,050,053, plus strand): 5'-TCACATTCCAATCTAGAGATGTGACATCCTTGTTGCTTGGAACATCTTGCCCTCCTTCTC[G>A]TATACAATGTCTAAGTACTAACTGTGTAGAGCCACTGGTGCTGTTCTCACTAAGATTCCA-3'